The following is an entry in ClinVar:

ClinVar aggregate classification (germline): Pathogenic (1 of 4 stars; one submission).

Allele frequency attached by ClinVar (database versions not stated): gnomAD exomes below 0.00001; ExAC 0.00001; TOPMed 0.00003; gnomAD 0.00004.
gnomAD v4.1: 7 of 1,613,930 alleles (0.00043%); highest among the groups gnomAD compares: African/African-American, 0.0093%; no homozygotes.

Submission:

Labcorp Genetics (formerly Invitae), Labcorp
Classification: Pathogenic. Last evaluated: 2024-06-25. Review status: criteria provided, single submitter. Criteria: Invitae Variant Classification Sherloc (09022015). Collection method: clinical testing. Allele origin: germline.
Comment: This sequence change creates a premature translational stop signal (p.Glu223*) in the ACBD5 gene. It is expected to result in an absent or disrupted protein product. Loss-of-function variants in ACBD5 are known to be pathogenic (PMID: 23105016, 27799409). This variant is present in population databases (rs778846494, gnomAD 0.01%). This variant has not been reported in the literature in individuals affected with ACBD5-related conditions. ClinVar contains an entry for this variant (Variation ID: 948162). For these reasons, this variant has been classified as Pathogenic.

Literature cited by the submitters: PubMed 23105016; PubMed 27799409.

NM_145698.5(ACBD5):c.667G>T (p.Glu223Ter)

Gene: ACBD5 (acyl-CoA binding domain containing 5; minus strand). Cytogenetic location: 10p12.1.
Variant type: single nucleotide variant.
Coding change: c.667G>T on transcript NM_145698.5 (MANE Select); coding-DNA position 667, G replaced by T.
Protein change: p.Glu223Ter; replaces glutamic acid 223 with a stop codon.
Molecular consequence: nonsense. On other transcripts: intron variant (6).
Genome position (GRCh38, 1-based): chr10:27,218,142, C>A on the plus strand (G>T on the coding strand, the complement: ACBD5 is on the minus strand). VCF-style: chr10-27218142-C-A. GRCh37 (hg19) VCF-style: chr10-27507071-C-A.
Other names: c.562G>T, p.Glu188Ter (NM_001042473.4, NM_001352577.2, NM_001352578.2 and 1 more transcripts); c.661G>T, p.Glu221Ter (NM_001271512.3); c.340G>T, p.Glu114Ter (NM_001301251.2, NM_001301252.2, NM_001301253.2 and 2 more transcripts); c.721G>T, p.Glu241Ter (NM_001352568.1); c.700G>T, p.Glu234Ter (NM_001352569.1); c.667G>T, p.Glu223Ter (NM_001352570.1); c.694G>T, p.Glu232Ter (NM_001352571.1); c.688G>T, p.Glu230Ter (NM_001352572.1); and 10 more; short protein forms E114*, E234*, E125*, E221*, E170*, E188*, E199*, E230*.
Identifiers: ClinVar variation 948162 (VCV000948162.7), dbSNP rs778846494, ClinGen allele CA5450854.